The following is an entry in ClinVar:

NM_005726.6(TSFM):c.37G>T (p.Ala13Ser)

Gene: TSFM (Ts translation elongation factor, mitochondrial; plus strand). Cytogenetic location: 12q14.1.
Variant type: single nucleotide variant.
Coding change: c.37G>T on transcript NM_005726.6 (MANE Select); coding-DNA position 37, G replaced by T.
Protein change: p.Ala13Ser; replaces alanine 13 with serine.
Molecular consequence: missense variant.
Genome position (GRCh38, 1-based): chr12:57,782,838, G>T. VCF-style: chr12-57782838-G-T. GRCh37 (hg19) VCF-style: chr12-58176621-G-T.
Other names: c.37G>T, p.Ala13Ser (NM_001172695.2, NM_001172696.2, NM_001172697.2); short protein forms A13S.
Identifiers: ClinVar variation 1962893 (VCV001962893.3), dbSNP rs566379164, ClinGen allele CA6659183.

ClinVar aggregate classification (germline): Uncertain significance (1 of 4 stars; one submission).

Allele frequency attached by ClinVar (database versions not stated): gnomAD exomes below 0.00001; gnomAD 0.00001; ExAC 0.00004; 1000 Genomes Project 30x 0.00016; 1000 Genomes Project 0.00020.

Submission:

Labcorp Genetics (formerly Invitae), Labcorp
Classification: Uncertain significance. Last evaluated: 2022-08-16. Review status: criteria provided, single submitter. Criteria: Invitae Variant Classification Sherloc (09022015). Collection method: clinical testing. Allele origin: germline.
Comment: In summary, the available evidence is currently insufficient to determine the role of this variant in disease. Therefore, it has been classified as a Variant of Uncertain Significance. Algorithms developed to predict the effect of missense changes on protein structure and function (SIFT, PolyPhen-2, Align-GVGD) all suggest that this variant is likely to be tolerated. This variant has not been reported in the literature in individuals affected with TSFM-related conditions. The frequency data for this variant in the population databases is considered unreliable, as metrics indicate poor data quality at this position in the gnomAD database. This sequence change replaces alanine, which is neutral and non-polar, with serine, which is neutral and polar, at codon 13 of the TSFM protein (p.Ala13Ser).